The following is an entry in ClinVar:

NM_004370.6(COL12A1):c.1821G>A (p.Arg607=)

Gene: COL12A1 (collagen type XII alpha 1 chain; minus strand). Cytogenetic location: 6q13.
Variant type: single nucleotide variant.
Coding change: c.1821G>A on transcript NM_004370.6 (MANE Select); coding-DNA position 1821, G replaced by A.
Protein change: p.Arg607=; no amino-acid change (arginine 607 retained).
Molecular consequence: synonymous variant. On other transcripts: intron variant (1).
Genome position (GRCh38, 1-based): chr6:75,183,120, C>T on the plus strand (G>A on the coding strand, the complement: COL12A1 is on the minus strand). VCF-style: chr6-75183120-C-T. GRCh37 (hg19) VCF-style: chr6-75892836-C-T.
Other names: p.Arg607=; c.73+19600G>A (NM_080645.3).
Identifiers: ClinVar variation 783090 (VCV000783090.16), dbSNP rs199994914, ClinGen allele CA3894128.

ClinVar aggregate classification (germline): Likely benign. Review status: criteria provided, multiple submitters, no conflicts (2 of 4 stars). 4 submissions from 4 submitters: Likely benign (4). Last evaluated 2026-01-30.

Conditions:
Ullrich congenital muscular dystrophy 2 (UCMD2). Identifiers: Orphanet 75840, MedGen C4225314, MONDO:0014654, OMIM 616470.
Bethlem myopathy 2 (BTHLM2). Identifiers: Orphanet 536516, Orphanet 610, MedGen C4225313, MONDO:0034022, OMIM 616471.

Allele frequency attached by ClinVar (database versions not stated): ExAC 0.00001; gnomAD exomes 0.00001; TOPMed 0.00001; gnomAD 0.00005; 1000 Genomes Project 30x 0.00016; 1000 Genomes Project 0.00020.
gnomAD v4.1: 32 of 1,614,128 alleles (0.002%); highest among the groups gnomAD compares: African/African-American, 0.027%; no homozygotes.

Submissions (4):

Labcorp Genetics (formerly Invitae), Labcorp
Classification: Likely benign for Bethlem myopathy 2; Ullrich congenital muscular dystrophy 2. Last evaluated: 2026-01-30. Review status: criteria provided, single submitter. Criteria: Invitae Variant Classification Sherloc (09022015). Collection method: clinical testing. Allele origin: germline.

Mayo Clinic Laboratories, Mayo Clinic
Classification: Likely benign. Last evaluated: 2025-08-07. Review status: criteria provided, single submitter. Criteria: ACMG Guidelines, 2015. Collection method: clinical testing. Allele origin: germline. Observed: 1 variant allele.
Comment: BP4, BP7

Blueprint Genetics
Classification: Likely benign. Last evaluated: 2024-09-23. Review status: criteria provided, single submitter. Criteria: ACMG Guidelines, 2015. Collection method: clinical testing. Allele origin: germline.

GeneDx
Classification: Likely benign. Last evaluated: 2020-08-25. Review status: criteria provided, single submitter. Criteria: GeneDx Variant Classification Process June 2021. Collection method: clinical testing. Allele origin: germline. Affected: yes.